The following is an entry in ClinVar:

NM_015693.4(INTU):c.2271G>A (p.Lys757=)

Gene: INTU (inturned planar cell polarity protein; plus strand). Cytogenetic location: 4q28.1.
Variant type: single nucleotide variant.
Coding change: c.2271G>A on transcript NM_015693.4 (MANE Select); coding-DNA position 2271, G replaced by A.
Protein change: p.Lys757=; no amino-acid change (lysine 757 retained).
Molecular consequence: synonymous variant.
Genome position (GRCh38, 1-based): chr4:127,706,969, G>A. VCF-style: chr4-127706969-G-A. GRCh37 (hg19) VCF-style: chr4-128628124-G-A.
Identifiers: ClinVar variation 3674403 (VCV003674403.2).

ClinVar aggregate classification (germline): Uncertain significance (1 of 4 stars; one submission).

Submission:

Labcorp Genetics (formerly Invitae), Labcorp
Classification: Uncertain significance. Last evaluated: 2024-10-13. Review status: criteria provided, single submitter. Criteria: Invitae Variant Classification Sherloc (09022015). Collection method: clinical testing. Allele origin: germline.
Comment: This sequence change affects codon 757 of the INTU mRNA. It is a 'silent' change, meaning that it does not change the encoded amino acid sequence of the INTU protein. This variant also falls at the last nucleotide of exon 12, which is part of the consensus splice site for this exon. This variant is not present in population databases (gnomAD no frequency). This variant has not been reported in the literature in individuals affected with INTU-related conditions. Variants that disrupt the consensus splice site are a relatively common cause of aberrant splicing (PMID: 17576681, 9536098). Algorithms developed to predict the effect of sequence changes on RNA splicing suggest that this variant may disrupt the consensus splice site. In summary, the available evidence is currently insufficient to determine the role of this variant in disease. Therefore, it has been classified as a Variant of Uncertain Significance.

Literature cited by the submitters: PubMed 17576681; PubMed 9536098.